The following is an entry in ClinVar:

NM_004304.5(ALK):c.4808A>T (p.His1603Leu)

Gene: ALK (ALK receptor tyrosine kinase; minus strand). Cytogenetic location: 2p23.2.
Variant type: single nucleotide variant.
Coding change: c.4808A>T on transcript NM_004304.5 (MANE Select); coding-DNA position 4808, A replaced by T.
Protein change: p.His1603Leu; replaces histidine 1603 with leucine.
Molecular consequence: missense variant.
Genome position (GRCh38, 1-based): chr2:29,193,279, T>A on the plus strand (A>T on the coding strand, the complement: ALK is on the minus strand). VCF-style: chr2-29193279-T-A. GRCh37 (hg19) VCF-style: chr2-29416145-T-A.
Other names: c.1604A>T, p.His535Leu (NM_001353765.2); short protein forms H1603L, H535L.
Identifiers: ClinVar variation 960664 (VCV000960664.9), dbSNP rs1668920233, ClinGen allele CA346460164.
Genomic context (GRCh38, chr2:29,193,279, plus strand): 5'-CGAGCTCAGGGCCCAGGCTGGTTCATGCTATTCTTGCTTTTCAGAATGGTATCCTCGTAA[T>A]GACCAGCTCCAGGGGCAGTAGCGGCTTCTAAGGGCAAGCCCTGTTGCTGGTAGCCGTAAT-3'
Protein context (NP_004295.2, residues 1593-1613): LEAATAPGAG[His1603Leu]YEDTILKSKN

ClinVar aggregate classification (germline): Uncertain significance (1 of 4 stars; one submission).

Conditions:
Neuroblastoma, susceptibility to, 3. Also called: ALK-Related Neuroblastic Tumor Susceptibility. Identifiers: Orphanet 635, MedGen C2751681, MONDO:0013083, OMIM 613014.

Submission:

Labcorp Genetics (formerly Invitae), Labcorp
Classification: Uncertain significance for Neuroblastoma, susceptibility to, 3. Last evaluated: 2025-01-06. Review status: criteria provided, single submitter. Criteria: Invitae Variant Classification Sherloc (09022015). Collection method: clinical testing. Allele origin: germline.
Comment: This sequence change replaces histidine, which is basic and polar, with leucine, which is neutral and non-polar, at codon 1603 of the ALK protein (p.His1603Leu). This variant is not present in population databases (gnomAD no frequency). This variant has not been reported in the literature in individuals affected with ALK-related conditions. ClinVar contains an entry for this variant (Variation ID: 960664). An algorithm developed to predict the effect of missense changes on protein structure and function (PolyPhen-2) suggests that this variant is likely to be tolerated. In summary, the available evidence is currently insufficient to determine the role of this variant in disease. Therefore, it has been classified as a Variant of Uncertain Significance.